The following is an entry in ClinVar:

ClinVar aggregate classification (germline): Uncertain significance (1 of 4 stars; one submission).

Conditions:
Myoclonic dystonia 11 (DYT11). Also called: Myoclonic dystonia; Dystonia 11; Dystonia, alcohol responsive; Hereditary essential myoclonus; SGCE Myoclonus-Dystonia; Myoclonus-Dystonia. Identifiers: Orphanet 36899, MedGen C1834570, MONDO:0008044, OMIM 159900.

gnomAD v4.1: 11 of 1,612,454 alleles (0.00068%); highest among the groups gnomAD compares: Non-Finnish European, 0.00051%; no homozygotes.

Submission:

Labcorp Genetics (formerly Invitae), Labcorp
Classification: Uncertain significance for Myoclonic dystonia 11. Last evaluated: 2024-11-21. Review status: criteria provided, single submitter. Criteria: Invitae Variant Classification Sherloc (09022015). Collection method: clinical testing. Allele origin: germline.
Comment: This sequence change replaces arginine, which is basic and polar, with leucine, which is neutral and non-polar, at codon 263 of the SGCE protein (p.Arg263Leu). This variant is present in population databases (rs375899729, gnomAD 0.004%). This variant has not been reported in the literature in individuals affected with SGCE-related conditions. Invitae Evidence Modeling of protein sequence and biophysical properties (such as structural, functional, and spatial information, amino acid conservation, physicochemical variation, residue mobility, and thermodynamic stability) indicates that this missense variant is not expected to disrupt SGCE protein function with a negative predictive value of 80%. In summary, the available evidence is currently insufficient to determine the role of this variant in disease. Therefore, it has been classified as a Variant of Uncertain Significance.

NM_003919.3(SGCE):c.788G>T (p.Arg263Leu)

Genes: CASD1 (CAS1 domain sialic acid O acetyltransferase 1; plus strand), SGCE (sarcoglycan epsilon; minus strand). Cytogenetic location: 7q21.3.
Variant type: single nucleotide variant.
Coding change: c.788G>T on transcript NM_003919.3 (MANE Select); coding-DNA position 788, G replaced by T.
Protein change: p.Arg263Leu; replaces arginine 263 with leucine.
Molecular consequence: missense variant.
Genome position (GRCh38, 1-based): chr7:94,603,327, C>A on the plus strand (G>T on the coding strand, the complement: SGCE is on the minus strand). VCF-style: chr7-94603327-C-A. GRCh37 (hg19) VCF-style: chr7-94232639-C-A.
Other names: c.788G>T, p.Arg263Leu (NM_001346717.2, NM_001099400.2, NM_001099401.2); c.701G>T, p.Arg234Leu (NM_001346719.2, NM_001362807.2); c.515G>T, p.Arg172Leu (NM_001346720.2, NM_001362808.2); c.665G>T, p.Arg222Leu (NM_001362809.2, NM_001301139.2); c.896G>T, p.Arg299Leu (NM_001346713.2, NM_001346715.2); short protein forms R172L, R222L, R299L, R234L, R263L.
Identifiers: ClinVar variation 3630263 (VCV003630263.2).
Genomic context (GRCh38, chr7:94,603,327, plus strand): 5'-GCAAAAACAAAATAAAAACTTACCAATGAAATTTTGCACCAGTCAATGTAAAATTGAGTA[C>A]GAAATTTTTTATCACATGTTATTACAGGCTCCATTTCTTGACTACATCTCAATTGATTCT-3'
Protein context (NP_003910.1, residues 253-273): EPVITCDKKF[Arg263Leu]TQFYIDWCKI